The following is an entry in ClinVar:

ClinVar aggregate classification (germline): Likely benign. Review status: reviewed by expert panel (3 of 4 stars). 5 submissions from 5 submitters: Likely benign (1). 4 of the submissions do not count toward it. Last evaluated 2022-02-12.

Conditions:
Intellectual disability. Also called: Intellectual functioning disability; intellectual disabilities; Intellectual developmental disorder. Identifiers: MedGen C3714756, MeSH D008607, MONDO:0001071, HP:0001249.
Overgrowth syndrome and/or cerebral malformations due to abnormalities in MTOR pathway genes. Identifiers: MedGen CN300503, MONDO:0100283.

Allele frequency attached by ClinVar (database versions not stated): gnomAD 0.00002; TOPMed 0.00002; gnomAD exomes 0.00003 and 0.00004; ExAC 0.00007.
gnomAD v4.1: 49 of 1,609,622 alleles (0.003%); highest among the groups gnomAD compares: Middle Eastern, 0.082%; no homozygotes.

Submissions (5):

ClinGen Brain Malformations Variant Curation Expert Panel
Classification: Likely benign for Overgrowth syndrome and/or cerebral malformations due to abnormalities in MTOR pathway genes. Last evaluated: 2022-02-12. Review status: reviewed by expert panel. Criteria: ClinGen BrainMalform ACMG Specifications v1. Collection method: curation. Allele origin: germline. Inheritance: Autosomal dominant inheritance.
Comment: The c.3646A>G (NM_004958.4) variant in MTOR is a missense variant predicted to cause substitution of (p.Ile1216Val). The highest population minor allele frequency in gnomAD v2.1.1 is 0.0004197 in Other population, which is higher than the ClinGen BMEP threshold ([>0.00037]) for BS1, and therefore meets this criterion (BS1). MTOR, in which the variant was identified, is defined by the ClinGen Brain Malformations Expert Panel as a gene that has a low rate of benign missense variation and where pathogenic missense variants are a common mechanism of disease (PP2). In summary, this variant meets the criteria to be classified as Likely benign for mosaic autosomal dominant overgrowth with or without cerebral malformations due to abnormalities in MTOR-pathway genes based on the ACMG/AMP criteria applied, as specified by the ClinGen Brain Malformations Expert Panel: BS1, PP2; -3 points (VCEP specifications version 1; Approved: 1/31/2021)

CeGaT Center for Human Genetics Tuebingen
Classification: Likely benign. Last evaluated: 2026-01-01. Review status: criteria provided, single submitter. Criteria: CeGaT Center For Human Genetics Tuebingen Variant Classification Criteria Version 2. Collection method: clinical testing. Allele origin: germline. Affected: yes. Observed: 1 variant allele. Not counted in ClinVar's aggregate classification.
Comment: MTOR: BS1

Labcorp Genetics (formerly Invitae), Labcorp
Classification: Likely benign. Last evaluated: 2025-09-24. Review status: criteria provided, single submitter. Criteria: Invitae Variant Classification Sherloc (09022015). Collection method: clinical testing. Allele origin: germline. Not counted in ClinVar's aggregate classification.

Blueprint Genetics
Classification: Likely benign. Last evaluated: 2023-01-27. Review status: criteria provided, single submitter. Criteria: ACMG Guidelines, 2015. Collection method: clinical testing. Allele origin: germline. Not counted in ClinVar's aggregate classification.

Centre de Biologie Pathologie Génétique, Centre Hospitalier Universitaire de Lille
Classification: Likely benign for Intellectual disability. Last evaluated: 2019-01-01. Review status: no assertion criteria provided. Collection method: clinical testing. Allele origin: inherited. Affected: yes. Not counted in ClinVar's aggregate classification.

NM_004958.4(MTOR):c.3646A>G (p.Ile1216Val)

Gene: MTOR (mechanistic target of rapamycin kinase; minus strand). Cytogenetic location: 1p36.22.
Variant type: single nucleotide variant.
Coding change: c.3646A>G on transcript NM_004958.4 (MANE Select); coding-DNA position 3646, A replaced by G.
Protein change: p.Ile1216Val; replaces isoleucine 1216 with valine.
Molecular consequence: missense variant.
Genome position (GRCh38, 1-based): chr1:11,210,822, T>C on the plus strand (A>G on the coding strand, the complement: MTOR is on the minus strand). VCF-style: chr1-11210822-T-C. GRCh37 (hg19) VCF-style: chr1-11270879-T-C.
Other names: c.3646A>G (LRG_734t1); short protein forms I1216V.
Identifiers: ClinVar variation 645465 (VCV000645465.21), dbSNP rs760415071, ClinGen allele CA590171.